The following is an entry in ClinVar:

NM_133497.4(KCNV2):c.87C>T (p.Ser29=)

Gene: KCNV2 (potassium voltage-gated channel modifier subfamily V member 2; plus strand). Cytogenetic location: 9p24.2.
Variant type: single nucleotide variant.
Coding change: c.87C>T on transcript NM_133497.4 (MANE Select); coding-DNA position 87, C replaced by T.
Protein change: p.Ser29=; no amino-acid change (serine 29 retained).
Molecular consequence: synonymous variant.
Genome position (GRCh38, 1-based): chr9:2,717,826, C>T. VCF-style: chr9-2717826-C-T. GRCh37 (hg19) VCF-style: chr9-2717826-C-T.
Other names: c.87C>T (NM_133497.3).
Identifiers: ClinVar variation 1134310 (VCV001134310.11), dbSNP rs755979460, ClinGen allele CA4965309.
Genomic context (GRCh38, chr9:2,717,826, plus strand): 5'-GTCCTGGAGCTACAGGCCCTGGAACACGACGGAGAATGAGGGCAGCCAACACCGCAGGAG[C>T]ATTTGCTCCCTGGGTGCCCGTTCCGGCTCCCAGGCCAGCATCCACGGCTGGACAGAGGGC-3'
Protein context (NP_598004.1, residues 19-39): TENEGSQHRR[Ser29=]ICSLGARSGS

ClinVar aggregate classification (germline): Likely benign. Review status: criteria provided, multiple submitters, no conflicts (2 of 4 stars). 3 submissions from 3 submitters: Likely benign (3). Last evaluated 2026-01-12.

Conditions:
KCNV2-related disorder. Also called: KCNV2-related condition.

Allele frequency attached by ClinVar (database versions not stated): gnomAD 0.00001; gnomAD exomes 0.00002; ExAC 0.00003; TOPMed below 0.00001.
gnomAD v4.1: 38 of 1,614,114 alleles (0.0024%); highest among the groups gnomAD compares: Admixed American, 0.005%; no homozygotes.

Submissions (3):

Labcorp Genetics (formerly Invitae), Labcorp
Classification: Likely benign. Last evaluated: 2026-01-12. Review status: criteria provided, single submitter. Criteria: Invitae Variant Classification Sherloc (09022015). Collection method: clinical testing. Allele origin: germline.

PreventionGenetics, part of Exact Sciences
Classification: Likely benign for KCNV2-related condition. Last evaluated: 2024-11-09. Review status: criteria provided, single submitter. Criteria: ACMG Guidelines, 2015. Collection method: clinical testing. Allele origin: germline.
Comment: This variant is classified as likely benign based on ACMG/AMP sequence variant interpretation guidelines (Richards et al. 2015 PMID: 25741868, with internal and published modifications).

Blueprint Genetics
Classification: Likely benign. Last evaluated: 2019-03-02. Review status: criteria provided, single submitter. Criteria: ACMG Guidelines, 2015. Collection method: clinical testing. Allele origin: germline.